The following is an entry in ClinVar:

ClinVar aggregate classification (germline): Pathogenic. Review status: criteria provided, multiple submitters, no conflicts (2 of 4 stars). 2 submissions from 2 submitters: Pathogenic (2). Last evaluated 2025-03-04.

Conditions:
Breast-ovarian cancer, familial, susceptibility to, 4. Identifiers: Orphanet 145, MedGen C3280345, MONDO:0013669, OMIM 614291.

Allele frequency attached by ClinVar (database versions not stated): gnomAD exomes below 0.00001.

Submissions (2):

Center for Genomic Medicine, Rigshospitalet, Copenhagen University Hospital
Classification: Pathogenic. Last evaluated: 2025-03-04. Review status: criteria provided, single submitter. Criteria: ACMG Guidelines, 2015. Collection method: clinical testing. Allele origin: germline.

Labcorp Genetics (formerly Invitae), Labcorp
Classification: Pathogenic for Breast-ovarian cancer, familial, susceptibility to, 4. Last evaluated: 2024-02-24. Review status: criteria provided, single submitter. Criteria: Invitae Variant Classification Sherloc (09022015). Collection method: clinical testing. Allele origin: germline.
Comment: This sequence change creates a premature translational stop signal (p.Val189Profs*4) in the RAD51D gene. It is expected to result in an absent or disrupted protein product. Loss-of-function variants in RAD51D are known to be pathogenic (PMID: 21822267). This variant is not present in population databases (gnomAD no frequency). This variant has not been reported in the literature in individuals affected with RAD51D-related conditions. ClinVar contains an entry for this variant (Variation ID: 860443). For these reasons, this variant has been classified as Pathogenic.

Literature cited by the submitters: PubMed 21822267 (cited by Labcorp Genetics (formerly Invitae), Labcorp).

NM_002878.4(RAD51D):c.565_568del (p.Val189fs)

Genes: RAD51D (RAD51 paralog D; minus strand), RAD51L3-RFFL (RAD51L3-RFFL readthrough; minus strand). Cytogenetic location: 17q12.
Variant type: Deletion.
Coding change: c.565_568del on transcript NM_002878.4 (MANE Select); coding-DNA positions 565 to 568, 4 bases deleted (GTGG; older notation c.565_568delGTGG).
Protein change: p.Val189fs; shifts the reading frame from valine 189.
Molecular consequence: frameshift variant. On other transcripts: non-coding transcript variant (3).
Genome position (GRCh38, 1-based): chr17:35,106,394-35,106,397, CCAC deleted on the plus strand (GTGG on the coding strand, the reverse complement: RAD51D is on the minus strand). VCF-style (leftmost placement, unchanged base first): chr17-35106393-GCCAC-G. GRCh37 (hg19) VCF-style: chr17-33433412-GCCAC-G.
Other names: c.625_628del, p.Val209fs (NM_001142571.2); c.229_232del, p.Val77fs (NM_133629.3); c.565_568delGTGG (NM_002878.4); short protein forms V209fs, V77fs, V189fs.
Identifiers: ClinVar variation 860443 (VCV000860443.8), dbSNP rs2091603173, ClinGen allele CA916081878.
Genomic context (GRCh38, chr17:35,106,393, plus strand): 5'-GATAGCACCTAGAAAGCTGAATTAAGCAAGGAGGGGCAGAACAGCAGGCTCACCTGCTGG[GCCAC>G]AGTGCCTCGGAGCTCCTGCAGCACATCCAGCATCTGGAAGATGTCAAATGCATGCACCAC-3'